The following is an entry in ClinVar:

NM_001567.4(INPPL1):c.2152C>T (p.His718Tyr)

Gene: INPPL1 (inositol polyphosphate phosphatase like 1; plus strand). Cytogenetic location: 11q13.4.
Variant type: single nucleotide variant.
Coding change: c.2152C>T on transcript NM_001567.4 (MANE Select); coding-DNA position 2152, C replaced by T.
Protein change: p.His718Tyr; replaces histidine 718 with tyrosine.
Molecular consequence: missense variant.
Genome position (GRCh38, 1-based): chr11:72,233,684, C>T. VCF-style: chr11-72233684-C-T. GRCh37 (hg19) VCF-style: chr11-71944728-C-T.
Other names: short protein forms H718Y.
Identifiers: ClinVar variation 1498473 (VCV001498473.6), dbSNP rs2135436305, ClinGen allele CA381731723.

ClinVar aggregate classification (germline): Uncertain significance (1 of 4 stars; one submission).

Submission:

Labcorp Genetics (formerly Invitae), Labcorp
Classification: Uncertain significance. Last evaluated: 2021-11-01. Review status: criteria provided, single submitter. Criteria: Invitae Variant Classification Sherloc (09022015). Collection method: clinical testing. Allele origin: germline.
Comment: This variant is not present in population databases (gnomAD no frequency). This variant has not been reported in the literature in individuals affected with INPPL1-related conditions. Algorithms developed to predict the effect of missense changes on protein structure and function are either unavailable or do not agree on the potential impact of this missense change (SIFT: "Deleterious"; PolyPhen-2: "Probably Damaging"; Align-GVGD: "Class C0"). In summary, the available evidence is currently insufficient to determine the role of this variant in disease. Therefore, it has been classified as a Variant of Uncertain Significance. This sequence change replaces histidine, which is basic and polar, with tyrosine, which is neutral and polar, at codon 718 of the INPPL1 protein (p.His718Tyr).